The following is an entry in ClinVar:

ClinVar aggregate classification (germline): Uncertain significance. Review status: criteria provided, multiple submitters, no conflicts (2 of 4 stars). 2 submissions from 2 submitters: Uncertain significance (2). Last evaluated 2024-09-22.

Conditions:
Pyruvate carboxylase deficiency. Also called: PC DEFICIENCY; Pyruvate Carboxylase Deficiency Disease; LEIGH NECROTIZING ENCEPHALOPATHY DUE TO PYRUVATE CARBOXYLASE DEFICIENCY; LEIGH SYNDROME DUE TO PYRUVATE CARBOXYLASE DEFICIENCY; ATAXIA WITH LACTIC ACIDOSIS II. Identifiers: Orphanet 3008, MedGen C0034341, MONDO:0009949, OMIM 266150.

Allele frequency attached by ClinVar (database versions not stated): ExAC 0.00002; gnomAD 0.00003; TOPMed 0.00003.
gnomAD v4.1: 31 of 1,613,778 alleles (0.0019%); highest among the groups gnomAD compares: Middle Eastern, 0.049%; 1 homozygote.

Submissions (2):

Genomic Medicine Center of Excellence, King Faisal Specialist Hospital and Research Centre
Classification: Uncertain significance for Pyruvate carboxylase deficiency. Last evaluated: 2024-09-22. Review status: criteria provided, single submitter. Criteria: ACMG Guidelines, 2015. Collection method: clinical testing. Allele origin: germline.

Labcorp Genetics (formerly Invitae), Labcorp
Classification: Uncertain significance for Pyruvate carboxylase deficiency. Last evaluated: 2022-05-17. Review status: criteria provided, single submitter. Criteria: Invitae Variant Classification Sherloc (09022015). Collection method: clinical testing. Allele origin: germline.
Comment: This sequence change replaces glycine, which is neutral and non-polar, with serine, which is neutral and polar, at codon 188 of the PC protein (p.Gly188Ser). This variant is present in population databases (rs770763439, gnomAD 0.02%). This variant has not been reported in the literature in individuals affected with PC-related conditions. Algorithms developed to predict the effect of missense changes on protein structure and function are either unavailable or do not agree on the potential impact of this missense change (SIFT: "Deleterious"; PolyPhen-2: "Possibly Damaging"; Align-GVGD: "Class C0"). Algorithms developed to predict the effect of sequence changes on RNA splicing suggest that this variant may create or strengthen a splice site. In summary, the available evidence is currently insufficient to determine the role of this variant in disease. Therefore, it has been classified as a Variant of Uncertain Significance.

NM_001040716.2(PC):c.562G>A (p.Gly188Ser)

Gene: PC (pyruvate carboxylase; minus strand). Cytogenetic location: 11q13.2.
Variant type: single nucleotide variant.
Coding change: c.562G>A on transcript NM_001040716.2 (MANE Select); coding-DNA position 562, G replaced by A.
Protein change: p.Gly188Ser; replaces glycine 188 with serine.
Molecular consequence: missense variant.
Genome position (GRCh38, 1-based): chr11:66,871,123, C>T on the plus strand (G>A on the coding strand, the complement: PC is on the minus strand). VCF-style: chr11-66871123-C-T. GRCh37 (hg19) VCF-style: chr11-66638594-C-T.
Other names: c.562G>A, p.Gly188Ser (NM_000920.4, NM_022172.3); short protein forms G188S.
Identifiers: ClinVar variation 2152706 (VCV002152706.2), dbSNP rs770763439, ClinGen allele CA6132185.